The following is an entry in ClinVar:

ClinVar aggregate classification (germline): Uncertain significance (1 of 4 stars; one submission).

gnomAD v4.1: 1 of 1,613,522 alleles (0.000062%); highest among the groups gnomAD compares: African/African-American, 0.0013%; no homozygotes.

Submission:

Women's Health and Genetics/Laboratory Corporation of America, LabCorp
Classification: Uncertain significance. Last evaluated: 2026-05-11. Review status: criteria provided, single submitter. Criteria: LabCorp Variant Classification Summary - May 2015. Collection method: clinical testing. Allele origin: germline.
Comment: Variant summary: MED12L c.136A>G (p.Asn46Asp) results in a conservative amino acid change in the encoded protein sequence. Algorithms developed to predict the effect of missense changes on protein structure and function are either unavailable or do not agree on the potential impact of this missense change. The variant was absent in 251096 control chromosomes. The available data on variant occurrences in the general population are insufficient to allow any conclusion about variant significance. To our knowledge, no occurrence of c.136A>G in individuals affected with MED12L-related conditions and no experimental evidence demonstrating its impact on protein function have been reported. No submitters have cited clinical-significance assessments for this variant to ClinVar. Based on the evidence outlined above, the variant was classified as uncertain significance.

NM_001393769.1(MED12L):c.136A>G (p.Asn46Asp)

Gene: MED12L (mediator complex subunit 12L; plus strand). Cytogenetic location: 3q25.1.
Variant type: single nucleotide variant.
Coding change: c.136A>G on transcript NM_001393769.1 (MANE Select); coding-DNA position 136, A replaced by G.
Protein change: p.Asn46Asp; replaces asparagine 46 with aspartic acid.
Molecular consequence: missense variant.
Genome position (GRCh38, 1-based): chr3:151,116,374, A>G. VCF-style: chr3-151116374-A-G. GRCh37 (hg19) VCF-style: chr3-150834161-A-G.
Other names: c.136A>G, p.Asn46Asp (NM_053002.6); short protein forms N46D.
Identifiers: ClinVar variation 4853310 (VCV004853310.1).